The following is an entry in ClinVar:

NM_001204.7(BMPR2):c.1126G>A (p.Glu376Lys)

Gene: BMPR2 (bone morphogenetic protein receptor type 2; plus strand). Cytogenetic location: 2q33.2.
Variant type: single nucleotide variant.
Coding change: c.1126G>A on transcript NM_001204.7 (MANE Select); coding-DNA position 1126, G replaced by A.
Protein change: p.Glu376Lys; replaces glutamic acid 376 with lysine.
Molecular consequence: missense variant.
Genome position (GRCh38, 1-based): chr2:202,530,952, G>A. VCF-style: chr2-202530952-G-A. GRCh37 (hg19) VCF-style: chr2-203395675-G-A.
Other names: NM_001204.7(BMPR2):c.1126G>A; p.Glu376Lys; p.(Glu376Lys); c.1126G>A (NM_001204.6); short protein forms E376K.
Identifiers: ClinVar variation 977222 (VCV000977222.5), dbSNP rs1085307301, ClinGen allele CA350341606.
Genomic context (GRCh38, chr2:202,530,952, plus strand): 5'-ATGAGGCTGACTGGAAATAGACTGGTGCGCCCAGGGGAGGAAGATAATGCAGCCATAAGC[G>A]AGGTGAGTGTATACAAAAGGTATCACACTGATGTACTTTGAAATGATAATTTAATTAAAA-3'
Protein context (NP_001195.2, residues 366-386): PGEEDNAAIS[Glu376Lys]VGTIRYMAPE

ClinVar aggregate classification (germline): Uncertain significance. Review status: reviewed by expert panel (3 of 4 stars). 4 submissions from 4 submitters: Uncertain significance (1). 3 of the submissions do not count toward it. Last evaluated 2024-09-10.

Conditions:
Progressive myositis ossificans (FOP). Also called: Fibrodysplasia Ossificans Progressiva; Myositis ossificans progressiva; Progressive ossifying myositis. Identifiers: Orphanet 337, MedGen C0016037, MONDO:0007606, OMIM 135100.
BMPR2-related neurodevelopmental disorder.
Pulmonary arterial hypertension. Identifiers: Orphanet 182090, MedGen C2973725, MeSH D000081029, MONDO:0015924, HP:0002092.

Submissions (4):

Clingen Pulmonary Hypertension Variant Curation Expert Panel, ClinGen
Classification: Uncertain significance for Pulmonary arterial hypertension. Last evaluated: 2024-09-10. Review status: reviewed by expert panel. Criteria: ClinGen PH ACMG Specifications BMPR2 V1.1.0. Collection method: curation. Allele origin: germline. Inheritance: Autosomal dominant inheritance.
Comment: The BMPR2 c.1126G>A (p.Glu376Lys) variant is an exonic variant located 3 base pairs before the end of exon 8. The variant is absent from gnomAD v2.1.1 (controls) and v4.1 (PM2_Supporting). The variant has not been reported in pulmonary arterial hypertension patients to date. The variant has been identified in a patient with progressive myositis ossificans and a patient with unknown phenotype (ClinVar ID 977222) (PS4_not met). The variant is located in the well-established kinase domain (PM1_met). However, protein and splice-site prediction algorithms do not predict pathogenicity ((REVEL score 0.47 (>0,25-<0.75); Splice AI score 0 (benign)) (PP3_not met, BP4_not met). PP1 was not evaluated due to absence of co-segregation data. No other missense variants at the same amino acid have been reported for PAH (PS1, PM5 not assessed). In summary, this variant meets the criteria to be classified as VUS for pulmonary arterial hypertension based on the ACMG/AMP criteria applied, as specified by the ClinGen Pulmonary Hypertension VCEP: PM1, PM2_supporting (VCEP specification version 1.1.0, 1/18/2024).

Wendy Chung Laboratory, Boston Children's Hospital
Classification: Pathogenic for BMPR2-related neurodevelopmental disorder. Last evaluated: 2026-04-28. Review status: criteria provided, single submitter. Criteria: ACMG Guidelines, 2015. Collection method: clinical testing, research. Allele origin: de novo, unknown. Inheritance: Autosomal dominant inheritance. Affected: yes. Observed: 6 variant alleles, 6 heterozygotes. Not counted in ClinVar's aggregate classification.
Comment: BMPR2 NM_001204.7:c.1126G>A (p.Glu376Lys) is an exonic variant located 3 base pairs before the end of exon 8. The variant is absent from gnomAD v4.1 (PM2_Supporting) and occurred de novo (PS2, n = 5 individuals) in at least six unrelated individuals with a neurodevelopmental disorder including autism spectrum disorder and global developmental delay (PS4). The variant is in a conserved protein kinase domain (PM1) and predicted to be pathogenic by in silico tools, AlphaMissense = 0.997 and CADD = 26.5 (PP3). Protein modeling predicted that the amino acid substitution results in constitutively active kinase activity and experiments in Drosophila demonstrated hyperactivation of the bone morphogenetic protein signaling pathway in mutant flies overexpressing p.(Glu376Lys) but not in wild-type or flies overexpressing known pulmonary arterial hypertension pathogenic loss of function variants (PS3). Neural overexpression of p.(Glu376Lys) caused neurodevelopmental defects in flies not observed in wild-type or PAH mutants. The p.(Glu376Lys) variant, or other missense variants at the same amino acid, have not been reported for PAH and none of the six individuals in this cohort have been diagnosed with PAH or related cardiopulmonary conditions. In summary, this variant meets the criteria to be classified as pathogenic for a neurodevelopmental disorder based on ACMG/AMP criteria applied: PS2, PS3, PS4, PM1, PM2_supporting, PP3.

GeneDx
Classification: Uncertain significance. Last evaluated: 2023-03-15. Review status: criteria provided, single submitter. Criteria: GeneDx Variant Classification Process June 2021. Collection method: clinical testing. Allele origin: germline. Affected: yes. Not counted in ClinVar's aggregate classification.
Comment: De novo variant with confirmed parentage in multiple patients referred for genetic testing at GeneDx; however, the reported clinical features are not consistent with the features typically observed in individuals with pathogenic variants in this gene and an expanded phenotype requires additional research; Not observed at significant frequency in large population cohorts (gnomAD); In silico analysis supports that this missense variant has a deleterious effect on protein structure/function; Has not been previously published as pathogenic or benign to our knowledge

Laboratory of Genetic Skeletal Anomaly, Seoul National University Children's Hospital
Classification: Pathogenic for Progressive myositis ossificans. Review status: no assertion criteria provided. Collection method: clinical testing. Allele origin: de novo. Inheritance: Autosomal dominant inheritance. Affected: yes. Not counted in ClinVar's aggregate classification.

Literature cited by the submitters: PubMed 32720330 (cited by Wendy Chung Laboratory, Boston Children's Hospital).